The following is an entry in ClinVar:

ClinVar aggregate classification (germline): Uncertain significance. Review status: criteria provided, multiple submitters, no conflicts (2 of 4 stars). 4 submissions from 4 submitters: Uncertain significance (3). 1 of the submissions does not count toward it. Last evaluated 2023-04-11.

Conditions:
Hereditary insensitivity to pain with anhidrosis (CIPA). Also called: INSENSITIVITY TO PAIN, CONGENITAL, WITH ANHIDROSIS; NTRK1 Congenital Insensitivity to Pain with Anhidrosis; NEUROPATHY, CONGENITAL SENSORY, WITH ANHIDROSIS; FAMILIAL DYSAUTONOMIA, TYPE II; hereditary sensory and autonomic neuropathy type 4; HSAN Type IV. Identifiers: Orphanet 642, MedGen C0020074, MONDO:0009746, OMIM 256800.
Inborn genetic diseases. Identifiers: MedGen C0950123, MeSH D030342.

Allele frequency attached by ClinVar (database versions not stated): gnomAD 0.00001 and 0.00003; TOPMed 0.00002; ExAC 0.00009; 1000 Genomes Project 30x 0.00016; 1000 Genomes Project 0.00020.

Submissions (4):

Genome-Nilou Lab
Classification: Uncertain significance for Hereditary insensitivity to pain with anhidrosis. Last evaluated: 2023-04-11. Review status: criteria provided, single submitter. Criteria: ACMG Guidelines, 2015. Collection method: clinical testing. Allele origin: germline. Affected: no.

Labcorp Genetics (formerly Invitae), Labcorp
Classification: Uncertain significance for Hereditary insensitivity to pain with anhidrosis. Last evaluated: 2022-04-29. Review status: criteria provided, single submitter. Criteria: Invitae Variant Classification Sherloc (09022015). Collection method: clinical testing. Allele origin: germline.
Comment: This sequence change replaces alanine, which is neutral and non-polar, with valine, which is neutral and non-polar, at codon 107 of the NTRK1 protein (p.Ala107Val). This variant is present in population databases (rs540521894, gnomAD 0.03%). This variant has not been reported in the literature in individuals affected with NTRK1-related conditions. ClinVar contains an entry for this variant (Variation ID: 577719). Advanced modeling of protein sequence and biophysical properties (such as structural, functional, and spatial information, amino acid conservation, physicochemical variation, residue mobility, and thermodynamic stability) performed at Invitae indicates that this missense variant is not expected to disrupt NTRK1 protein function. In summary, the available evidence is currently insufficient to determine the role of this variant in disease. Therefore, it has been classified as a Variant of Uncertain Significance.

Ambry Genetics
Classification: Uncertain significance for Inborn genetic diseases. Last evaluated: 2020-10-05. Review status: criteria provided, single submitter. Criteria: Ambry Variant Classification Scheme 2023. Collection method: clinical testing. Allele origin: germline.
Comment: The p.A107V variant (also known as c.320C>T), located in coding exon 3 of the NTRK1 gene, results from a C to T substitution at nucleotide position 320. The alanine at codon 107 is replaced by valine, an amino acid with similar properties. This amino acid position is well conserved in available vertebrate species. In addition, this alteration is predicted to be tolerated by in silico analysis. Since supporting evidence is limited at this time, the clinical significance of this alteration remains unclear.

Natera, Inc.
Classification: Uncertain significance for Hereditary insensitivity to pain with anhidrosis. Last evaluated: 2020-08-27. Review status: no assertion criteria provided. Collection method: clinical testing. Allele origin: germline. Not counted in ClinVar's aggregate classification.

NM_002529.4(NTRK1):c.320C>T (p.Ala107Val)

Gene: NTRK1 (neurotrophic receptor tyrosine kinase 1; plus strand). Cytogenetic location: 1q23.1.
Variant type: single nucleotide variant.
Coding change: c.320C>T on transcript NM_002529.4 (MANE Select); coding-DNA position 320, C replaced by T.
Protein change: p.Ala107Val; replaces alanine 107 with valine.
Molecular consequence: missense variant.
Genome position (GRCh38, 1-based): chr1:156,864,760, C>T. VCF-style: chr1-156864760-C-T. GRCh37 (hg19) VCF-style: chr1-156834552-C-T.
Other names: c.230C>T, p.Ala77Val (NM_001007792.1); c.320C>T, p.Ala107Val (NM_001012331.2); short protein forms A107V, A77V.
Identifiers: ClinVar variation 577719 (VCV000577719.12), dbSNP rs540521894, ClinGen allele CA1168913.
Genomic context (GRCh38, chr1:156,864,760, plus strand): 5'-GGACTGATCCTCCTGCACCCCTCCCCAGCACCATCGTGAAGAGTGGTCTCCGTTTCGTGG[C>T]GCCAGATGCCTTCCATTTCACTCCTCGGCTCAGTCGCCTGTGAGTGTGGCCAGTGCTGGG-3'
Protein context (NP_002520.2, residues 97-117): TIVKSGLRFV[Ala107Val]PDAFHFTPRL